The following is an entry in ClinVar:

NM_000444.6(PHEX):c.895A>T (p.Lys299Ter)

Gene: PHEX (phosphate regulating endopeptidase X-linked; plus strand). Cytogenetic location: Xp22.11.
Variant type: single nucleotide variant.
Coding change: c.895A>T on transcript NM_000444.6 (MANE Select); coding-DNA position 895, A replaced by T.
Protein change: p.Lys299Ter; replaces lysine 299 with a stop codon.
Molecular consequence: nonsense.
Genome position (GRCh38, 1-based): chrX:22,097,000, A>T. VCF-style: chrX-22097000-A-T. GRCh37 (hg19) VCF-style: chrX-22115118-A-T.
Other names: c.895A>T, p.Lys299Ter (NM_001282754.2); short protein forms K299*.
Identifiers: ClinVar variation 1437520 (VCV001437520.6), dbSNP rs772921325, ClinGen allele CA412572633.

ClinVar aggregate classification (germline): Pathogenic (1 of 4 stars; one submission).

Submission:

Labcorp Genetics (formerly Invitae), Labcorp
Classification: Pathogenic. Last evaluated: 2021-11-04. Review status: criteria provided, single submitter. Criteria: Invitae Variant Classification Sherloc (09022015). Collection method: clinical testing. Allele origin: germline.
Comment: For these reasons, this variant has been classified as Pathogenic. This variant has not been reported in the literature in individuals affected with PHEX-related conditions. This variant is not present in population databases (gnomAD no frequency). This sequence change creates a premature translational stop signal (p.Lys299*) in the PHEX gene. It is expected to result in an absent or disrupted protein product. Loss-of-function variants in PHEX are known to be pathogenic (PMID: 9097956, 9106524, 19219621).

Literature cited by the submitters: PubMed 9097956; PubMed 9106524; PubMed 19219621.